The following is an entry in ClinVar:

ClinVar aggregate classification (germline): Likely benign. Review status: criteria provided, multiple submitters, no conflicts (2 of 4 stars). 2 submissions from 2 submitters: Likely benign (2). Last evaluated 2025-05-15.

Conditions:
TTC21B-related disorder. Also called: TTC21B-related condition; TTC21B-related disorders.

Allele frequency attached by ClinVar (database versions not stated): ESP Exome Variant Server 0.00008.
gnomAD v4.1: 3 of 1,610,698 alleles (0.00019%); highest among the groups gnomAD compares: South Asian, 0.0011%; no homozygotes.

Submissions (2):

PreventionGenetics, part of Exact Sciences
Classification: Likely benign for TTC21B-related condition. Last evaluated: 2025-05-15. Review status: criteria provided, single submitter. Criteria: ACMG Guidelines, 2015. Collection method: clinical testing. Allele origin: germline.
Comment: This variant is classified as likely benign based on ACMG/AMP sequence variant interpretation guidelines (Richards et al. 2015 PMID: 25741868, with internal and published modifications).

Labcorp Genetics (formerly Invitae), Labcorp
Classification: Likely benign. Last evaluated: 2018-09-12. Review status: criteria provided, single submitter. Criteria: Invitae Variant Classification Sherloc (09022015). Collection method: clinical testing. Allele origin: germline.

NM_024753.5(TTC21B):c.2550G>T (p.Ala850=)

Gene: TTC21B (tetratricopeptide repeat domain 21B; minus strand). Cytogenetic location: 2q24.3.
Variant type: single nucleotide variant.
Coding change: c.2550G>T on transcript NM_024753.5 (MANE Select); coding-DNA position 2550, G replaced by T.
Protein change: p.Ala850=; no amino-acid change (alanine 850 retained).
Molecular consequence: synonymous variant.
Genome position (GRCh38, 1-based): chr2:165,907,696, C>A on the plus strand (G>T on the coding strand, the complement: TTC21B is on the minus strand). VCF-style: chr2-165907696-C-A. GRCh37 (hg19) VCF-style: chr2-166764206-C-A.
Identifiers: ClinVar variation 774376 (VCV000774376.4), dbSNP rs144151561, ClinGen allele CA59792685.